The following is an entry in ClinVar:

NM_004994.3(MMP9):c.559C>G (p.Leu187Val)

Gene: MMP9 (matrix metallopeptidase 9; plus strand). Cytogenetic location: 20q13.12.
Variant type: single nucleotide variant.
Coding change: c.559C>G on transcript NM_004994.3 (MANE Select); coding-DNA position 559, C replaced by G.
Protein change: p.Leu187Val; replaces leucine 187 with valine.
Molecular consequence: missense variant.
Genome position (GRCh38, 1-based): chr20:46,010,960, C>G. VCF-style: chr20-46010960-C-G. GRCh37 (hg19) VCF-style: chr20-44639599-C-G.
Other names: short protein forms L187V.
Identifiers: ClinVar variation 2174759 (VCV002174759.4), dbSNP rs55789927, ClinGen allele CA9886443.

ClinVar aggregate classification (germline): Uncertain significance (1 of 4 stars; one submission).

gnomAD v4.1: 112 of 1,614,150 alleles (0.0069%); highest among the groups gnomAD compares: Non-Finnish European, 0.009%; no homozygotes.

Submission:

Labcorp Genetics (formerly Invitae), Labcorp
Classification: Uncertain significance. Last evaluated: 2025-06-10. Review status: criteria provided, single submitter. Criteria: Invitae Variant Classification Sherloc (09022015). Collection method: clinical testing. Allele origin: germline.
Comment: This sequence change replaces leucine, which is neutral and non-polar, with valine, which is neutral and non-polar, at codon 187 of the MMP9 protein (p.Leu187Val). This variant is present in population databases (rs55789927, gnomAD 0.004%). This variant has not been reported in the literature in individuals affected with MMP9-related conditions. ClinVar contains an entry for this variant (Variation ID: 2174759). Invitae Evidence Modeling of protein sequence and biophysical properties (such as structural, functional, and spatial information, amino acid conservation, physicochemical variation, residue mobility, and thermodynamic stability) indicates that this missense variant is not expected to disrupt MMP9 protein function with a negative predictive value of 80%. In summary, the available evidence is currently insufficient to determine the role of this variant in disease. Therefore, it has been classified as a Variant of Uncertain Significance.